The following is an entry in ClinVar:

ClinVar aggregate classification (germline): Uncertain significance (1 of 4 stars; one submission).

Conditions:
Charcot-Marie-Tooth disease type 4. Also called: Charcot-Marie-Tooth, Type 4; Charcot-Marie-Tooth disease, type IV. Identifiers: Orphanet 64749, MedGen C4082197, MONDO:0018995.

Submission:

Labcorp Genetics (formerly Invitae), Labcorp
Classification: Uncertain significance for Charcot-Marie-Tooth disease type 4. Last evaluated: 2018-05-30. Review status: criteria provided, single submitter. Criteria: Invitae Variant Classification Sherloc (09022015). Collection method: clinical testing. Allele origin: germline.
Comment: This sequence change replaces leucine with valine at codon 408 of the SBF2 protein (p.Leu408Val). The leucine residue is highly conserved and there is a small physicochemical difference between leucine and valine. This variant is not present in population databases (ExAC no frequency). This variant has not been reported in the literature in individuals with SBF2-related disease. Algorithms developed to predict the effect of missense changes on protein structure and function are either unavailable or do not agree on the potential impact of this missense change (SIFT: "Deleterious"; PolyPhen-2: "Probably Damaging"; Align-GVGD: "Class C0"). Algorithms developed to predict the effect of sequence changes on RNA splicing suggest that this variant may create or strengthen a splice site, but this prediction has not been confirmed by published transcriptional studies. In summary, the available evidence is currently insufficient to determine the role of this variant in disease. Therefore, it has been classified as a Variant of Uncertain Significance.

NM_030962.4(SBF2):c.1222C>G (p.Leu408Val)

Gene: SBF2 (SET binding factor 2; minus strand). Cytogenetic location: 11p15.4.
Variant type: single nucleotide variant.
Coding change: c.1222C>G on transcript NM_030962.4 (MANE Select); coding-DNA position 1222, C replaced by G.
Protein change: p.Leu408Val; replaces leucine 408 with valine.
Molecular consequence: missense variant. On other transcripts: intron variant (1).
Genome position (GRCh38, 1-based): chr11:9,992,489, G>C on the plus strand (C>G on the coding strand, the complement: SBF2 is on the minus strand). VCF-style: chr11-9992489-G-C. GRCh37 (hg19) VCF-style: chr11-10014036-G-C.
Other names: c.1222C>G, p.Leu408Val (NM_001386339.1); c.1167+501C>G (NM_001386342.1); short protein forms L408V.
Identifiers: ClinVar variation 566900 (VCV000566900.9), dbSNP rs1220835376, ClinGen allele CA379636894.